The following is an entry in ClinVar:

ClinVar aggregate classification (germline): Uncertain significance (1 of 4 stars; one submission).

Submission:

Labcorp Genetics (formerly Invitae), Labcorp
Classification: Uncertain significance. Last evaluated: 2024-03-18. Review status: criteria provided, single submitter. Criteria: Invitae Variant Classification Sherloc (09022015). Collection method: clinical testing. Allele origin: germline.
Comment: This sequence change replaces proline, which is neutral and non-polar, with leucine, which is neutral and non-polar, at codon 90 of the ZMIZ1 protein (p.Pro90Leu). This variant is present in population databases (rs751223094, gnomAD 0.004%). This variant has not been reported in the literature in individuals affected with ZMIZ1-related conditions. An algorithm developed to predict the effect of missense changes on protein structure and function (PolyPhen-2) suggests that this variant is likely to be disruptive. In summary, the available evidence is currently insufficient to determine the role of this variant in disease. Therefore, it has been classified as a Variant of Uncertain Significance.

NM_020338.4(ZMIZ1):c.269C>T (p.Pro90Leu)

Gene: ZMIZ1 (zinc finger MIZ-type containing 1; plus strand). Cytogenetic location: 10q22.3.
Variant type: single nucleotide variant.
Coding change: c.269C>T on transcript NM_020338.4 (MANE Select); coding-DNA position 269, C replaced by T.
Protein change: p.Pro90Leu; replaces proline 90 with leucine.
Molecular consequence: missense variant.
Genome position (GRCh38, 1-based): chr10:79,216,263, C>T. VCF-style: chr10-79216263-C-T. GRCh37 (hg19) VCF-style: chr10-80976020-C-T.
Other names: short protein forms P90L.
Identifiers: ClinVar variation 3646623 (VCV003646623.2).